The following is an entry in ClinVar:

NM_000182.5(HADHA):c.1392+51_1392+52del

Genes: GAREM2 (GRB2 associated regulator of MAPK1 subtype 2; plus strand), HADHA (hydroxyacyl-CoA dehydrogenase trifunctional multienzyme complex subunit alpha; minus strand). Cytogenetic location: 2p23.3.
Variant type: Microsatellite.
Coding change: c.1392+51_1392+52del on transcript NM_000182.5 (MANE Select); bases 51 to 52 of the intron after coding-DNA position 1392, 2 bases deleted (CA; older notation c.1392+51_1392+52delCA).
Molecular consequence: intron variant.
Genome position (GRCh38, 1-based): chr2:26,201,097-26,201,098, TG deleted on the plus strand (CA on the coding strand, the reverse complement: HADHA is on the minus strand); deleting any 2 consecutive bases within chr2:26,201,097-26,201,101 gives the same sequence; the c. name uses the placement nearest the transcript's 3' end. VCF-style (leftmost placement, unchanged base first): chr2-26201096-CTG-C. GRCh37 (hg19) VCF-style: chr2-26423965-CTG-C.
Identifiers: ClinVar variation 676596 (VCV000676596.1), dbSNP rs150443421, ClinGen allele CA44383988.
Genomic context (GRCh38, chr2:26,201,096, plus strand): 5'-AATAGTCCTTTTTATAAAAGCAATCATGAGTTTCCTATAGCTCCTTTAAAAAAAAAATCT[CTG>C]TGTTTTCTGTTCACTACACTAGGATTCAAGTACAACAGCCCCTTGCTTACCGCTTCTACT-3'

ClinVar aggregate classification (germline): Likely benign (1 of 4 stars; one submission).

Submission:

GeneDx
Classification: Likely benign. Last evaluated: 2018-06-16. Review status: criteria provided, single submitter. Criteria: GeneDx Variant Classification (06012015). Collection method: clinical testing. Allele origin: germline. Affected: yes.
Comment: This variant is considered likely benign or benign based on one or more of the following criteria: it is a conservative change, it occurs at a poorly conserved position in the protein, it is predicted to be benign by multiple in silico algorithms, and/or has population frequency not consistent with disease.